The following is an entry in ClinVar:

ClinVar aggregate classification (germline): Uncertain significance. Review status: criteria provided, multiple submitters, no conflicts (2 of 4 stars). 2 submissions from 2 submitters: Uncertain significance (2). Last evaluated 2023-12-04.

Conditions:
Epileptic encephalopathy. Identifiers: MedGen C0543888, HP:0200134.

Submissions (2):

Labcorp Genetics (formerly Invitae), Labcorp
Classification: Uncertain significance for Epileptic encephalopathy. Last evaluated: 2023-12-04. Review status: criteria provided, single submitter. Criteria: Invitae Variant Classification Sherloc (09022015). Collection method: clinical testing. Allele origin: germline.
Comment: This sequence change replaces alanine, which is neutral and non-polar, with proline, which is neutral and non-polar, at codon 69 of the GABBR2 protein (p.Ala69Pro). This variant is not present in population databases (gnomAD no frequency). This variant has not been reported in the literature in individuals affected with GABBR2-related conditions. ClinVar contains an entry for this variant (Variation ID: 1449181). An algorithm developed to predict the effect of missense changes on protein structure and function (PolyPhen-2) suggests that this variant is likely to be tolerated. In summary, the available evidence is currently insufficient to determine the role of this variant in disease. Therefore, it has been classified as a Variant of Uncertain Significance.

Revvity Omics, Revvity
Classification: Uncertain significance. Last evaluated: 2022-05-22. Review status: criteria provided, single submitter. Criteria: ACMG Guidelines, 2015. Collection method: clinical testing. Allele origin: germline.

NM_005458.8(GABBR2):c.205G>C (p.Ala69Pro)

Gene: GABBR2 (gamma-aminobutyric acid type B receptor subunit 2; minus strand). Cytogenetic location: 9q22.33.
Variant type: single nucleotide variant.
Coding change: c.205G>C on transcript NM_005458.8 (MANE Select); coding-DNA position 205, G replaced by C.
Protein change: p.Ala69Pro; replaces alanine 69 with proline.
Molecular consequence: missense variant.
Genome position (GRCh38, 1-based): chr9:98,708,533, C>G on the plus strand (G>C on the coding strand, the complement: GABBR2 is on the minus strand). VCF-style: chr9-98708533-C-G. GRCh37 (hg19) VCF-style: chr9-101470815-C-G.
Other names: short protein forms A69P.
Identifiers: ClinVar variation 1449181 (VCV001449181.11), dbSNP rs1830932556, ClinGen allele CA374212632.
Genomic context (GRCh38, chr9:98,708,533, plus strand): 5'-GGATCTGCTCGATGGCCAGTTCCACGGCGGGGAGCACACCGCGCCCGATGCTGCCCTTGG[C>G]CACCTCCTTGGTGAGCGGCATGAGGCCCATGATGGAGAGCGGCGGGCTGCTGGGCGGCGG-3'
Protein context (NP_005449.5, residues 59-79): MGLMPLTKEV[Ala69Pro]KGSIGRGVLP